The following is an entry in ClinVar:

NM_015272.5(RPGRIP1L):c.2201_2213del (p.Arg734fs)

Gene: RPGRIP1L (RPGRIP1 like; minus strand). Cytogenetic location: 16q12.2.
Variant type: Deletion.
Coding change: c.2201_2213del on transcript NM_015272.5 (MANE Select); coding-DNA positions 2201 to 2213, 13 bases deleted (GATTAAGAGTTCC).
Protein change: p.Arg734fs; shifts the reading frame from arginine 734.
Molecular consequence: frameshift variant.
Genome position (GRCh38, 1-based): chr16:53,649,055-53,649,067, GGAACTCTTAATC deleted on the plus strand (GATTAAGAGTTCC on the coding strand, the reverse complement: RPGRIP1L is on the minus strand); deleting any 13 consecutive bases within chr16:53,649,055-53,649,072 gives the same sequence; the c. name uses the placement nearest the transcript's 3' end. VCF-style (leftmost placement, unchanged base first): chr16-53649054-GGGAACTCTTAATC-G. GRCh37 (hg19) VCF-style: chr16-53682966-GGGAACTCTTAATC-G.
Other names: c.2201_2213del, p.Arg734fs (NM_001127897.4, NM_001308334.3, NM_001330538.2); short protein forms R734fs.
Identifiers: ClinVar variation 2951346 (VCV002951346.3), dbSNP rs2544154688, ClinGen allele CA2740093361.

ClinVar aggregate classification (germline): Pathogenic (1 of 4 stars; one submission).

Conditions:
Joubert syndrome. Also called: CEREBELLOPARENCHYMAL DISORDER IV; JOUBERT-BOLTSHAUSER SYNDROME; Familial aplasia of the vermis. Identifiers: Orphanet 475, MedGen C5979921, MONDO:0018772.
Meckel-Gruber syndrome. Also called: DYSENCEPHALIA SPLANCHNOCYSTICA; GRUBER SYNDROME; Dysencephalia splachnocystica. Identifiers: Orphanet 564, MedGen C0265215, MONDO:0018921.

Submission:

Labcorp Genetics (formerly Invitae), Labcorp
Classification: Pathogenic for Joubert syndrome; Meckel-Gruber syndrome. Last evaluated: 2023-08-29. Review status: criteria provided, single submitter. Criteria: Invitae Variant Classification Sherloc (09022015). Collection method: clinical testing. Allele origin: germline.
Comment: For these reasons, this variant has been classified as Pathogenic. This variant has not been reported in the literature in individuals affected with RPGRIP1L-related conditions. This variant is not present in population databases (gnomAD no frequency). This sequence change creates a premature translational stop signal (p.Arg734Profs*19) in the RPGRIP1L gene. It is expected to result in an absent or disrupted protein product. Loss-of-function variants in RPGRIP1L are known to be pathogenic (PMID: 17558409).

Literature cited by the submitters: PubMed 17558409.